The following is an entry in ClinVar:

NM_002476.2(MYL4):c.284T>C (p.Leu95Pro)

Gene: MYL4 (myosin light chain 4; plus strand). Cytogenetic location: 17q21.32.
Variant type: single nucleotide variant.
Coding change: c.284T>C on transcript NM_002476.2 (MANE Select); coding-DNA position 284, T replaced by C.
Protein change: p.Leu95Pro; replaces leucine 95 with proline.
Molecular consequence: missense variant.
Genome position (GRCh38, 1-based): chr17:47,220,024, T>C. VCF-style: chr17-47220024-T-C. GRCh37 (hg19) VCF-style: chr17-45297390-T-C.
Other names: c.284T>C, p.Leu95Pro (NM_001002841.2); short protein forms L95P.
Identifiers: ClinVar variation 1913187 (VCV001913187.5), dbSNP rs2547598342, ClinGen allele CA400021277.

ClinVar aggregate classification (germline): Uncertain significance (1 of 4 stars; one submission).

Conditions:
Atrial fibrillation, familial, 18 (ATFB18). Identifiers: MedGen C4310636, MONDO:0015001, OMIM 617280.

Allele frequency attached by ClinVar (database versions not stated): gnomAD exomes 0.00001.
gnomAD v4.1: 11 of 1,614,040 alleles (0.00068%); highest among the groups gnomAD compares: African/African-American, 0.0013%; no homozygotes.

Submission:

Labcorp Genetics (formerly Invitae), Labcorp
Classification: Uncertain significance for Atrial fibrillation, familial, 18. Last evaluated: 2022-03-29. Review status: criteria provided, single submitter. Criteria: Invitae Variant Classification Sherloc (09022015). Collection method: clinical testing. Allele origin: germline.
Comment: Algorithms developed to predict the effect of missense changes on protein structure and function are either unavailable or do not agree on the potential impact of this missense change (SIFT: "Tolerated"; PolyPhen-2: "Possibly Damaging"; Align-GVGD: "Class C0"). In summary, the available evidence is currently insufficient to determine the role of this variant in disease. Therefore, it has been classified as a Variant of Uncertain Significance. This variant has not been reported in the literature in individuals affected with MYL4-related conditions. This variant is not present in population databases (gnomAD no frequency). This sequence change replaces leucine, which is neutral and non-polar, with proline, which is neutral and non-polar, at codon 95 of the MYL4 protein (p.Leu95Pro).